The following is an entry in ClinVar:

ClinVar aggregate classification (germline): Uncertain significance. Review status: criteria provided, multiple submitters, no conflicts (2 of 4 stars). 3 submissions from 3 submitters: Uncertain significance (3). Last evaluated 2026-03-13.

Conditions:
Mosaic variegated aneuploidy syndrome 1 (MVA1). Also called: Warburton-Anyane-Yeboa syndrome. Identifiers: Orphanet 1052, MedGen C1850343, MONDO:0009759, OMIM 257300.
Inborn genetic diseases. Identifiers: MedGen C0950123, MeSH D030342.
BUB1B-related disorder. Also called: BUB1B-related condition.

Allele frequency attached by ClinVar (database versions not stated): gnomAD exomes below 0.00001 and 0.00001; ExAC 0.00001; TOPMed 0.00001.

Submissions (3):

PreventionGenetics, part of Exact Sciences
Classification: Uncertain significance for BUB1B-related condition. Last evaluated: 2026-03-13. Review status: criteria provided, single submitter. Criteria: ACMG Guidelines, 2015. Collection method: clinical testing. Allele origin: germline.
Comment: The BUB1B c.200G>A variant is predicted to result in the amino acid substitution p.Arg67Gln. To our knowledge, this variant has not been reported in the literature. This variant is reported in 0.0065% of alleles in individuals of South Asian descent in gnomAD. This variant is interpreted as uncertain in ClinVar (Variation ID: 1401134). At this time, the clinical significance of this variant is uncertain due to the absence of conclusive functional and genetic evidence.

Ambry Genetics
Classification: Uncertain significance for Inborn genetic diseases. Last evaluated: 2023-12-01. Review status: criteria provided, single submitter. Criteria: Ambry Variant Classification Scheme 2023. Collection method: clinical testing. Allele origin: germline.
Comment: The p.R67Q variant (also known as c.200G>A), located in coding exon 3 of the BUB1B gene, results from a G to A substitution at nucleotide position 200. The arginine at codon 67 is replaced by glutamine, an amino acid with highly similar properties. This amino acid position is conserved. In addition, the in silico prediction for this alteration is inconclusive. Since supporting evidence is limited at this time, the clinical significance of this alteration remains unclear.

Labcorp Genetics (formerly Invitae), Labcorp
Classification: Uncertain significance for Mosaic variegated aneuploidy syndrome 1. Last evaluated: 2023-03-03. Review status: criteria provided, single submitter. Criteria: Invitae Variant Classification Sherloc (09022015). Collection method: clinical testing. Allele origin: germline.
Comment: ClinVar contains an entry for this variant (Variation ID: 1401134). An algorithm developed to predict the effect of missense changes on protein structure and function (PolyPhen-2) suggests that this variant is likely to be disruptive. In summary, the available evidence is currently insufficient to determine the role of this variant in disease. Therefore, it has been classified as a Variant of Uncertain Significance. This sequence change replaces arginine, which is basic and polar, with glutamine, which is neutral and polar, at codon 67 of the BUB1B protein (p.Arg67Gln). This variant is present in population databases (rs781034323, gnomAD 0.007%). This variant has not been reported in the literature in individuals affected with BUB1B-related conditions.

NM_001211.6(BUB1B):c.200G>A (p.Arg67Gln)

Gene: BUB1B (BUB1 mitotic checkpoint serine/threonine kinase B; plus strand). Cytogenetic location: 15q15.1.
Variant type: single nucleotide variant.
Coding change: c.200G>A on transcript NM_001211.6 (MANE Select); coding-DNA position 200, G replaced by A.
Protein change: p.Arg67Gln; replaces arginine 67 with glutamine.
Molecular consequence: missense variant.
Genome position (GRCh38, 1-based): chr15:40,170,082, G>A. VCF-style: chr15-40170082-G-A. GRCh37 (hg19) VCF-style: chr15-40462283-G-A.
Other names: short protein forms R67Q.
Identifiers: ClinVar variation 1401134 (VCV001401134.11), dbSNP rs781034323, ClinGen allele CA7475407.